The following is an entry in ClinVar:

ClinVar aggregate classification (germline): Pathogenic/Likely pathogenic. Review status: criteria provided, multiple submitters, no conflicts (2 of 4 stars). 4 submissions from 4 submitters: Pathogenic (3); Likely pathogenic (1). Last evaluated 2024-02-01.

Conditions:
Familial cancer of breast. Also called: BREAST CANCER, FAMILIAL; hereditary breast carcinoma; Hereditary breast cancer. Identifiers: Orphanet 227535, MedGen C0346153, MONDO:0016419, OMIM 114480. Disease mechanism: loss of function.
Malignant tumor of breast. Also called: Malignant breast neoplasm; Cancer breast. Identifiers: MedGen C0006142, MONDO:0007254. Disease mechanism: loss of function.

Submissions (4):

Labcorp Genetics (formerly Invitae), Labcorp
Classification: Pathogenic for Familial cancer of breast. Last evaluated: 2024-02-01. Review status: criteria provided, single submitter. Criteria: Invitae Variant Classification Sherloc (09022015). Collection method: clinical testing. Allele origin: germline.
Comment: This sequence change creates a premature translational stop signal (p.Lys208Argfs*4) in the BARD1 gene. It is expected to result in an absent or disrupted protein product. Loss-of-function variants in BARD1 are known to be pathogenic (PMID: 20077502, 21344236). This variant is not present in population databases (gnomAD no frequency). This variant has not been reported in the literature in individuals affected with BARD1-related conditions. ClinVar contains an entry for this variant (Variation ID: 2584204). For these reasons, this variant has been classified as Pathogenic.

Women's Health and Genetics/Laboratory Corporation of America, LabCorp
Classification: Pathogenic for Malignant tumor of breast. Last evaluated: 2023-11-20. Review status: criteria provided, single submitter. Criteria: LabCorp Variant Classification Summary - May 2015. Collection method: clinical testing. Allele origin: germline.
Comment: Variant summary: BARD1 c.623delA (p.Lys208ArgfsX4) results in a premature termination codon, predicted to cause absence of the protein due to nonsense mediated decay, which is a commonly known mechanism for disease. The variant was absent in 230912 control chromosomes. To our knowledge, no occurrence of c.623delA in individuals affected with Breast Cancer and no experimental evidence demonstrating its impact on protein function have been reported. One submitter has cited clinical-significance assessments for this variant to ClinVar after 2014 and has classified the variant as pathogenic. Based on the evidence outlined above, the variant was classified as pathogenic.

GeneDx
Classification: Likely pathogenic. Last evaluated: 2023-05-23. Review status: criteria provided, single submitter. Criteria: GeneDx Variant Classification Process June 2021. Collection method: clinical testing. Allele origin: germline. Affected: yes.
Comment: Frameshift variant predicted to result in protein truncation or nonsense mediated decay in a gene for which loss-of-function is a known mechanism of disease; Not observed at significant frequency in large population cohorts (gnomAD); Has not been previously published as pathogenic or benign to our knowledge; This variant is associated with the following publications: (PMID: 30458888)

Myriad Genetics, Inc.
Classification: Pathogenic for Familial cancer of breast. Last evaluated: 2023-05-19. Review status: criteria provided, single submitter. Criteria: Myriad Autosomal Dominant, Autosomal Recessive and X-Linked Classification Criteria (2023). Collection method: clinical testing. Allele origin: unknown.
Comment: This variant is considered pathogenic. This variant creates a frameshift predicted to result in premature protein truncation.

Literature cited by the submitters: PubMed 20077502 (cited by Labcorp Genetics (formerly Invitae), Labcorp); PubMed 21344236 (cited by Labcorp Genetics (formerly Invitae), Labcorp).

NM_000465.4(BARD1):c.623del (p.Lys208fs)

Gene: BARD1 (BRCA1 associated RING domain 1; minus strand). Cytogenetic location: 2q35.
Variant type: Deletion.
Coding change: c.623del on transcript NM_000465.4 (MANE Select); coding-DNA position 623, one base deleted (A; older notation c.623delA).
Protein change: p.Lys208fs; shifts the reading frame from lysine 208.
Molecular consequence: frameshift variant. On other transcripts: non-coding transcript variant (2), intron variant (3).
Genome position (GRCh38, 1-based): chr2:214,781,251, T deleted on the plus strand (A on the coding strand, the reverse complement: BARD1 is on the minus strand); the first of 7 consecutive T bases (chr2:214,781,251-214,781,257); deleting any one gives the same sequence. VCF-style (leftmost placement, unchanged base first): chr2-214781250-CT-C. GRCh37 (hg19) VCF-style: chr2-215645974-CT-C.
Other names: c.623delA (NM_000465.4); c.566del, p.Lys189fs (NM_001282543.2); c.158+28161del (NM_001282548.2); c.215+15810del (NM_001282545.2); c.364+11046del (NM_001282549.2); short protein forms K189fs, K208fs.
Identifiers: ClinVar variation 2584204 (VCV002584204.6), dbSNP rs587780033, ClinGen allele CA431391685.